The following is an entry in ClinVar:

NM_002474.3(MYH11):c.5083-4del

Genes: NDE1 (nudE neurodevelopment protein 1; plus strand), MYH11 (myosin heavy chain 11; minus strand). Cytogenetic location: 16p13.11.
Variant type: Deletion.
Coding change: c.5083-4del on transcript NM_002474.3 (MANE Select); 4 bases into the intron before coding-DNA position 5083, one base deleted (C; older notation c.5083-4delC).
Molecular consequence: intron variant.
Genome position (GRCh38, 1-based): chr16:15,719,312, G deleted on the plus strand (C on the coding strand, the reverse complement: MYH11 is on the minus strand); the first of 2 consecutive G bases (chr16:15,719,312-15,719,313); deleting either gives the same sequence. VCF-style (leftmost placement, unchanged base first): chr16-15719311-AG-A. GRCh37 (hg19) VCF-style: chr16-15813168-AG-A.
Other names: c.948-4878del (NM_001143979.2, NM_017668.3); c.5083-4del (NM_022844.3); c.5104-4del (NM_001040114.2, NM_001040113.2).
Identifiers: ClinVar variation 2773797 (VCV002773797.2), dbSNP rs2506104455, ClinGen allele CA2631936974.
Genomic context (GRCh38, chr16:15,719,311, plus strand): 5'-CCAGTTCCTCCTTCTCGAGGTCCGCTTGTTTGCGAGCCCTCTCAGCGGCGGCGAGGTCCT[AG>A]GTGGGAGGGAGGAAGGCTGTTGTCTGCCAGGGAAAGGCCAAGCCCCACCAAGAGTCCACC-3'

ClinVar aggregate classification (germline): Uncertain significance (1 of 4 stars; one submission).

Conditions:
Familial thoracic aortic aneurysm and aortic dissection (TAAD). Also called: Thoracic aortic aneurysms and dissections. Identifiers: Orphanet 91387, MedGen C4707243, MONDO:0019625.

Submission:

Color Diagnostics, LLC DBA Color Health
Classification: Uncertain significance for Familial thoracic aortic aneurysm and aortic dissection. Last evaluated: 2021-12-15. Review status: criteria provided, single submitter. Criteria: ACMG Guidelines, 2015. Collection method: clinical testing. Allele origin: germline.
Comment: This variant causes a deletion of 1 nucleotide in intron 36 of the MYH11 gene. Splice prediction tools and conservation analysis are inconclusive regarding the impact of this variant on RNA splicing. To our knowledge, functional studies have not been reported for this variant. This variant has not been reported in individuals affected with cardiovascular disorders in the literature. This variant has not been identified in the general population by the Genome Aggregation Database (gnomAD). The available evidence is insufficient to determine the role of this variant in disease conclusively. Therefore, this variant is classified as a Variant of Uncertain Significance.